The following is an entry in ClinVar:

NM_003482.4(KMT2D):c.10740+3G>A

Gene: KMT2D (lysine methyltransferase 2D; minus strand). Cytogenetic location: 12q13.12.
Variant type: single nucleotide variant.
Coding change: c.10740+3G>A on transcript NM_003482.4 (MANE Select); 3 bases into the intron after coding-DNA position 10740, G replaced by A.
Molecular consequence: intron variant.
Genome position (GRCh38, 1-based): chr12:49,034,064, C>T on the plus strand (G>A on the coding strand, the complement: KMT2D is on the minus strand). VCF-style: chr12-49034064-C-T. GRCh37 (hg19) VCF-style: chr12-49427847-C-T.
Identifiers: ClinVar variation 2642943 (VCV002642943.24), dbSNP rs1291336676, ClinGen allele CA2034949863.

ClinVar aggregate classification (germline): Uncertain significance (1 of 4 stars; one submission).

gnomAD v4.1: 12 of 1,611,164 alleles (0.00074%); highest among the groups gnomAD compares: East Asian, 0.022%; no homozygotes.

Submission:

CeGaT Center for Human Genetics Tuebingen
Classification: Uncertain significance. Last evaluated: 2023-06-01. Review status: criteria provided, single submitter. Criteria: CeGaT Center For Human Genetics Tuebingen Variant Classification Criteria Version 2. Collection method: clinical testing. Allele origin: germline. Affected: yes. Observed: 1 variant allele.
Comment: KMT2D: PM2, BP4